The following is an entry in ClinVar:

NC_000011.9:g.(?_823507)_(824862_?)del

Gene: PNPLA2 (patatin like domain 2, triacylglycerol lipase; plus strand). Cytogenetic location: 11p15.5.
Variant type: Deletion.
Identifiers: ClinVar variation 3244624 (VCV003244624.1).

ClinVar aggregate classification (germline): Uncertain significance (1 of 4 stars; one submission).

Conditions:
Neutral lipid storage myopathy (NLSDM). Also called: NEUTRAL LIPID STORAGE DISEASE WITHOUT ICHTHYOSIS. Identifiers: Orphanet 98908, MedGen C1853136, MONDO:0012545, OMIM 610717.

Submission:

Labcorp Genetics (formerly Invitae), Labcorp
Classification: Uncertain significance for Neutral lipid storage myopathy. Last evaluated: 2023-07-17. Review status: criteria provided, single submitter. Criteria: Invitae Variant Classification Sherloc (09022015). Collection method: clinical testing. Allele origin: unknown.
Comment: Experimental studies and prediction algorithms are not available or were not evaluated, and the functional significance of this variant is currently unknown. In summary, the available evidence is currently insufficient to determine the role of this variant in disease. Therefore, it has been classified as a Variant of Uncertain Significance. This variant disrupts a region of the PNPLA2 protein in which other variant(s) (p.Gln250Pro) have been observed in individuals with PNPLA2-related conditions (PMID: 22832386). This suggests that this is a clinically significant region of the protein, and that variants that disrupt it are likely to be disease-causing. This variant has not been reported in the literature in individuals affected with PNPLA2-related conditions. This variant is a gross deletion of the genomic region encompassing exon(s) 6-10 of the PNPLA2 gene, which includes the termination codon. This deletion extends beyond the assayed region for this gene and therefore may encompass additional genes. While this deletion is not anticipated to lead to nonsense mediated decay, it is expected to alter mRNA translation or result in a truncated protein product.

Literature cited by the submitters: PubMed 22832386.